The following is an entry in ClinVar:

ClinVar aggregate classification (germline): Uncertain significance (1 of 4 stars; one submission).

Allele frequency attached by ClinVar (database versions not stated): gnomAD exomes below 0.00001; gnomAD 0.00001; TOPMed 0.00001.
gnomAD v4.1: 5 of 1,613,956 alleles (0.00031%); highest among the groups gnomAD compares: East Asian, 0.0022%; no homozygotes.

Submission:

Labcorp Genetics (formerly Invitae), Labcorp
Classification: Uncertain significance. Last evaluated: 2022-07-06. Review status: criteria provided, single submitter. Criteria: Invitae Variant Classification Sherloc (09022015). Collection method: clinical testing. Allele origin: germline.
Comment: In summary, the available evidence is currently insufficient to determine the role of this variant in disease. Therefore, it has been classified as a Variant of Uncertain Significance. Algorithms developed to predict the effect of sequence changes on RNA splicing suggest that this variant may create or strengthen a splice site. Algorithms developed to predict the effect of missense changes on protein structure and function (SIFT, PolyPhen-2, Align-GVGD) all suggest that this variant is likely to be tolerated. ClinVar contains an entry for this variant (Variation ID: 1398992). This variant has not been reported in the literature in individuals affected with AP2M1-related conditions. This variant is not present in population databases (gnomAD no frequency). This sequence change replaces asparagine, which is neutral and polar, with serine, which is neutral and polar, at codon 35 of the AP2M1 protein (p.Asn35Ser).

NM_004068.4(AP2M1):c.104A>G (p.Asn35Ser)

Gene: AP2M1 (adaptor related protein complex 2 subunit mu 1; plus strand). Cytogenetic location: 3q27.1.
Variant type: single nucleotide variant.
Coding change: c.104A>G on transcript NM_004068.4 (MANE Select); coding-DNA position 104, A replaced by G.
Protein change: p.Asn35Ser; replaces asparagine 35 with serine.
Molecular consequence: missense variant.
Genome position (GRCh38, 1-based): chr3:184,178,886, A>G. VCF-style: chr3-184178886-A-G. GRCh37 (hg19) VCF-style: chr3-183896674-A-G.
Other names: c.104A>G, p.Asn35Ser (NM_001025205.2); c.179A>G, p.Asn60Ser (NM_001311198.2); short protein forms N35S, N60S.
Identifiers: ClinVar variation 1398992 (VCV001398992.8), dbSNP rs1159187719, ClinGen allele CA355420068.